The following is an entry in ClinVar:

NM_003313.4(GFUS):c.450C>T (p.Ile150=)

Gene: GFUS (GDP-L-fucose synthase; minus strand). Cytogenetic location: 8q24.3.
Variant type: single nucleotide variant.
Coding change: c.450C>T on transcript NM_003313.4 (MANE Select); coding-DNA position 450, C replaced by T.
Protein change: p.Ile150=; no amino-acid change (isoleucine 150 retained).
Molecular consequence: synonymous variant. On other transcripts: non-coding transcript variant (1), intron variant (1).
Genome position (GRCh38, 1-based): chr8:143,614,638, G>A on the plus strand (C>T on the coding strand, the complement: GFUS is on the minus strand). VCF-style: chr8-143614638-G-A. GRCh37 (hg19) VCF-style: chr8-144696808-G-A.
Other names: c.468C>T, p.Ile156= (NM_001317783.2); c.519C>T, p.Ile173= (NM_001413407.1); c.450C>T, p.Ile150= (NM_001413408.1, NM_001413410.1); c.585C>T, p.Ile195= (NM_001413409.1); c.237C>T, p.Ile79= (NM_001413412.1); c.474C>T, p.Ile158= (NM_001413413.1); c.390+149C>T (NM_001413411.1).
Identifiers: ClinVar variation 3234123 (VCV003234123.20), dbSNP rs148151871, ClinGen allele CA4914980.

ClinVar aggregate classification (germline): Likely benign (1 of 4 stars; one submission).

Allele frequency attached by ClinVar (database versions not stated): ExAC 0.00069; ESP Exome Variant Server 0.00069; 1000 Genomes Project 30x 0.00094; 1000 Genomes Project 0.00100.

Submission:

CeGaT Center for Human Genetics Tuebingen
Classification: Likely benign. Last evaluated: 2024-04-01. Review status: criteria provided, single submitter. Criteria: CeGaT Center For Human Genetics Tuebingen Variant Classification Criteria Version 2. Collection method: clinical testing. Allele origin: germline. Affected: yes. Observed: 1 variant allele.
Comment: GFUS: BS2